The following is an entry in ClinVar:

ClinVar aggregate classification (germline): Uncertain significance (1 of 4 stars; one submission).

Allele frequency attached by ClinVar (database versions not stated): ExAC 0.00004; gnomAD exomes 0.00004; gnomAD 0.00005.
gnomAD v4.1: 68 of 1,613,660 alleles (0.0042%); highest among the groups gnomAD compares: Middle Eastern, 0.082%; no homozygotes.

Submission:

Labcorp Genetics (formerly Invitae), Labcorp
Classification: Uncertain significance. Last evaluated: 2022-10-17. Review status: criteria provided, single submitter. Criteria: Invitae Variant Classification Sherloc (09022015). Collection method: clinical testing. Allele origin: germline.
Comment: This sequence change replaces proline, which is neutral and non-polar, with serine, which is neutral and polar, at codon 1259 of the FRAS1 protein (p.Pro1259Ser). This variant is present in population databases (rs780542500, gnomAD 0.01%). This variant has not been reported in the literature in individuals affected with FRAS1-related conditions. Advanced modeling of protein sequence and biophysical properties (such as structural, functional, and spatial information, amino acid conservation, physicochemical variation, residue mobility, and thermodynamic stability) performed at Invitae indicates that this missense variant is expected to disrupt FRAS1 protein function. In summary, the available evidence is currently insufficient to determine the role of this variant in disease. Therefore, it has been classified as a Variant of Uncertain Significance.

NM_025074.7(FRAS1):c.3775C>T (p.Pro1259Ser)

Gene: FRAS1 (Fraser extracellular matrix complex subunit 1; plus strand). Cytogenetic location: 4q21.21.
Variant type: single nucleotide variant.
Coding change: c.3775C>T on transcript NM_025074.7 (MANE Select); coding-DNA position 3775, C replaced by T.
Protein change: p.Pro1259Ser; replaces proline 1259 with serine.
Molecular consequence: missense variant.
Genome position (GRCh38, 1-based): chr4:78,387,501, C>T. VCF-style: chr4-78387501-C-T. GRCh37 (hg19) VCF-style: chr4-79308655-C-T.
Other names: c.3775C>T, p.Pro1259Ser (NM_001166133.2); short protein forms P1259S.
Identifiers: ClinVar variation 2414897 (VCV002414897.3), dbSNP rs780542500, ClinGen allele CA2977017.